The following is an entry in ClinVar:

Conditions:
Arteriohepatic dysplasia. Also called: Alagille Syndrome. Identifiers: Orphanet 52, MedGen C0085280, MeSH D016738, MONDO:0007318.

Submission:

Gilbert/Spinner Lab, Children's Hospital of Philadelphia
No classification provided (evidence only). Condition: Alagille syndrome. Review status: no classification provided. Collection method: research. Allele origin: not applicable. Functional consequence: functionally_abnormal.
ClinVar note: "not provided" was previously submitted as the classification for the variant. However, the classification appeared to be based only on an observation of functional data so it was converted to no classification on 2025-07-30.

NM_000214.3(JAG1):c.413C>A (p.Ala138Glu)

Gene: JAG1 (jagged canonical Notch ligand 1; minus strand). Cytogenetic location: 20p12.2.
Variant type: single nucleotide variant.
Coding change: c.413C>A on transcript NM_000214.3 (MANE Select); coding-DNA position 413, C replaced by A.
Protein change: p.Ala138Glu; replaces alanine 138 with glutamic acid.
Molecular consequence: missense variant.
Genome position (GRCh38, 1-based): chr20:10,663,989, G>T on the plus strand (C>A on the coding strand, the complement: JAG1 is on the minus strand). VCF-style: chr20-10663989-G-T. GRCh37 (hg19) VCF-style: chr20-10644637-G-T.
Other names: short protein forms A138E.
Identifiers: ClinVar variation 3573033 (VCV003573033.2).